The following is an entry in ClinVar:

ClinVar aggregate classification (germline): Pathogenic/Likely pathogenic. Review status: criteria provided, multiple submitters, no conflicts (2 of 4 stars). 6 submissions from 6 submitters: Pathogenic (1); Likely pathogenic (5). Last evaluated 2026-05-07.

Conditions:
Inherited phaeochromocytoma and paraganglioma excluding NF1.
Mitochondrial complex II deficiency, nuclear type 1. Also called: SUCCINATE CoQ REDUCTASE DEFICIENCY. Identifiers: Orphanet 3208, MedGen C5700310, MONDO:0100294, OMIM 252011.
Pheochromocytoma/paraganglioma syndrome 5. Also called: SDHA-Related Hereditary Paraganglioma-Pheochromocytoma Syndrome; Paragangliomas 5. Identifiers: Orphanet 29072, MedGen C3279992, MONDO:0013602, OMIM 614165.
Dilated cardiomyopathy 1GG (CMD1GG). Identifiers: Orphanet 154, MedGen C3150898, MONDO:0013339, OMIM 613642.
Neurodegeneration with ataxia and late-onset optic atrophy. Identifiers: MedGen C5543254, MONDO:0031006, OMIM 619259.
Hereditary cancer-predisposing syndrome. Also called: Neoplastic Syndromes, Hereditary; Hereditary Cancer Syndrome; Tumor predisposition; Hereditary neoplastic syndrome. Identifiers: Orphanet 140162, MedGen C0027672, MeSH D009386, MONDO:0015356.

Submissions (6):

Cambridge Genomics Laboratory, East Genomic Laboratory Hub, NHS Genomic Medicine Service
Classification: Likely pathogenic for Inherited phaeochromocytoma and paraganglioma excluding NF1. Last evaluated: 2026-05-07. Review status: criteria provided, single submitter. Criteria: ACGS Best Practice Guidelines for Variant Classification in Rare Disease 2020. Collection method: clinical testing. Allele origin: germline. Affected: yes.
Comment: PVS1,PM2_Supporting

Ambry Genetics
Classification: Likely pathogenic for Hereditary cancer-predisposing syndrome. Last evaluated: 2025-04-03. Review status: criteria provided, single submitter. Criteria: Ambry Variant Classification Scheme 2023. Collection method: clinical testing. Allele origin: germline.
Comment: The c.762_770+17del26 variant results from a deletion of 26 nucleotides from nucleotide position 762 to 770+17 and involves the canonical splice donor site after coding exon 6 of the SDHA gene. This variant is considered to be rare based on population cohorts in the Genome Aggregation Database (gnomAD). The canonical splice donor site is highly conserved in available vertebrate species. In silico splice site analysis predicts that this alteration will weaken the native splice donor site; however, direct evidence is insufficient at this time (Ambry internal data). Alterations that disrupt the canonical splice site are expected to cause aberrant splicing, resulting in an abnormal protein or a transcript that is subject to nonsense-mediated mRNA decay. As such, this alteration is classified as likely pathogenic.

Labcorp Genetics (formerly Invitae), Labcorp
Classification: Pathogenic for Pheochromocytoma/paraganglioma syndrome 5; Mitochondrial complex II deficiency, nuclear type 1. Last evaluated: 2024-10-31. Review status: criteria provided, single submitter. Criteria: Invitae Variant Classification Sherloc (09022015). Collection method: clinical testing. Allele origin: germline.
Comment: This variant results in the deletion of part of exon 6 (c.762_770+17del) of the SDHA gene. It is expected to disrupt RNA splicing. Variants that disrupt the donor or acceptor splice site typically lead to a loss of protein function (PMID: 16199547), and loss-of-function variants in SDHA are known to be pathogenic (PMID: 22974104, 24781757). This variant is present in population databases (no rsID available, gnomAD 0.0009%). This variant has been observed in individual(s) with metastatic paraganglioma (PMID: 32688340). ClinVar contains an entry for this variant (Variation ID: 412346). For these reasons, this variant has been classified as Pathogenic.

Baylor Genetics
Classification: Likely pathogenic for Dilated cardiomyopathy 1GG. Last evaluated: 2023-03-28. Review status: criteria provided, single submitter. Criteria: ACMG Guidelines, 2015. Collection method: clinical testing. Allele origin: unknown.

Myriad Genetics, Inc.
Classification: Likely pathogenic for Pheochromocytoma/paraganglioma syndrome 5. Last evaluated: 2023-02-13. Review status: criteria provided, single submitter. Criteria: Myriad Autosomal Dominant, Autosomal Recessive and X-Linked Classification Criteria (2023). Collection method: clinical testing. Allele origin: unknown.
Comment: This variant is considered likely pathogenic. This variant occurs within a consensus splice junction and is predicted to result in abnormal mRNA splicing of either an out-of-frame exon or an in-frame exon necessary for protein stability and/or normal function.

Fulgent Genetics
Classification: Likely pathogenic for Mitochondrial complex II deficiency, nuclear type 1; Dilated cardiomyopathy 1GG; Pheochromocytoma/paraganglioma syndrome 5; Neurodegeneration with ataxia and late-onset optic atrophy. Last evaluated: 2021-10-16. Review status: criteria provided, single submitter. Criteria: ACMG Guidelines, 2015. Collection method: clinical testing. Allele origin: unknown.

Literature cited by the submitters: PubMed 32688340 (cited by Ambry Genetics and Labcorp Genetics (formerly Invitae), Labcorp); PubMed 16199547 (cited by Labcorp Genetics (formerly Invitae), Labcorp); PubMed 22974104 (cited by Labcorp Genetics (formerly Invitae), Labcorp); PubMed 24781757 (cited by Labcorp Genetics (formerly Invitae), Labcorp).

NM_004168.4(SDHA):c.762_770+17del

Gene: SDHA (succinate dehydrogenase complex flavoprotein subunit A; plus strand). Cytogenetic location: 5p15.33.
Variant type: Deletion.
Coding change: c.762_770+17del on transcript NM_004168.4 (MANE Select); coding-DNA position 762 through 17 bases into the intron after coding-DNA position 770, 26 bases deleted (TGCCACAGGGTAGGAATCTCATTTCT).
Molecular consequence: splice donor variant.
Genome position (GRCh38, 1-based): chr5:228,325-228,350, TGCCACAGGGTAGGAATCTCATTTCT deleted; deleting any 26 consecutive bases within chr5:228,324-228,350 gives the same sequence; the c. name uses the placement nearest the transcript's 3' end. VCF-style (leftmost placement, unchanged base first): chr5-228323-GTTGCCACAGGGTAGGAATCTCATTTC-G. GRCh37 (hg19) VCF-style: chr5-228438-GTTGCCACAGGGTAGGAATCTCATTTC-G.
Other names: c.762_770+17del (NM_001330758.2); c.618_626+17del (NM_001294332.2); c.762_770+17delTGCCACAGGGTAGGAATCTCATTTCT (NM_004168.3).
Identifiers: ClinVar variation 412346 (VCV000412346.20), dbSNP rs1041809852, ClinGen allele CA16611876.